The following is an entry in ClinVar:

ClinVar aggregate classification (germline): Benign. Review status: criteria provided, multiple submitters, no conflicts (2 of 4 stars). 5 submissions from 5 submitters: Benign (5). Last evaluated 2026-02-04.

Conditions:
Charcot-Marie-Tooth disease type 4H (CMT4H). Also called: CHARCOT-MARIE-TOOTH DISEASE, AUTOSOMAL RECESSIVE, TYPE 4H; CHARCOT-MARIE-TOOTH DISEASE, DEMYELINATING, AUTOSOMAL RECESSIVE, TYPE 4H; CHARCOT-MARIE-TOOTH NEUROPATHY, TYPE 4H; CHARCOT-MARIE-TOOTH DISEASE, DEMYELINATING, TYPE 4H. Identifiers: Orphanet 99954, MedGen C1836336, MONDO:0012250, OMIM 609311.
Charcot-Marie-Tooth disease type 4. Also called: Charcot-Marie-Tooth disease, type IV; Charcot-Marie-Tooth, Type 4. Identifiers: Orphanet 64749, MedGen C4082197, MONDO:0018995.
Charcot-Marie-Tooth disease. Also called: Charcot-Marie-Tooth Neuropathy; Charcot-Marie-Tooth Hereditary Neuropathy. Identifiers: Orphanet 166, MedGen C0007959, MONDO:0015626.

Allele frequency attached by ClinVar (database versions not stated): 1000 Genomes Project 0.06510; 1000 Genomes Project 30x 0.07011; gnomAD 0.08851 and 0.08885; ExAC 0.09530; TOPMed 0.09550; ESP Exome Variant Server 0.09811; gnomAD exomes 0.10069 and 0.11364.
gnomAD v4.1: 179,290 of 1,613,160 alleles (11%); highest among the groups gnomAD compares: Middle Eastern, 18%; 11,129 homozygotes.

Submissions (5):

Labcorp Genetics (formerly Invitae), Labcorp
Classification: Benign for Charcot-Marie-Tooth disease type 4. Last evaluated: 2026-02-04. Review status: criteria provided, single submitter. Criteria: Invitae Variant Classification Sherloc (09022015). Collection method: clinical testing. Allele origin: germline.

Illumina Laboratory Services, Illumina
Classification: Benign for Charcot-Marie-Tooth disease type 4H. Last evaluated: 2018-01-13. Review status: criteria provided, single submitter. Criteria: ICSL Variant Classification Criteria 13 December 2019. Collection method: clinical testing. Allele origin: germline.
Comment: This variant was observed in the ICSL laboratory as part of a predisposition screen in an ostensibly healthy population. It had not been previously curated by ICSL or reported in the Human Gene Mutation Database (HGMD: prior to June 1st, 2018), and was therefore a candidate for classification through an automated scoring system. Utilizing variant allele frequency, disease prevalence and penetrance estimates, and inheritance mode, an automated score was calculated to assess if this variant is too frequent to cause the disease. Based on the score and internal cut-off values, a variant classified as benign is not then subjected to further curation. The score for this variant resulted in a classification of benign for this disease.

GeneDx
Classification: Benign. Last evaluated: 2015-03-03. Review status: criteria provided, single submitter. Criteria: GeneDx Variant Classification Process June 2021. Collection method: clinical testing. Allele origin: germline. Affected: yes.

Breakthrough Genomics
Classification: Benign. Review status: criteria provided, single submitter. Criteria: ACMG Guidelines, 2015. Collection method: not provided. Allele origin: germline. Inheritance: Autosomal recessive inheritance. Affected: yes.

Molecular Genetics Laboratory, London Health Sciences Centre
Classification: Benign for Charcot-Marie-Tooth disease. Review status: criteria provided, single submitter. Criteria: ACMG Guidelines, 2015. Collection method: clinical testing. Allele origin: germline. Affected: yes.

NM_001370298.3(FGD4):c.1750-12C>T

Gene: FGD4 (FYVE, RhoGEF and PH domain containing 4; plus strand). Cytogenetic location: 12p11.21.
Variant type: single nucleotide variant.
Coding change: c.1750-12C>T on transcript NM_001370298.3 (MANE Select); 12 bases into the intron before coding-DNA position 1750, C replaced by T.
Molecular consequence: intron variant.
Genome position (GRCh38, 1-based): chr12:32,619,686, C>T. VCF-style: chr12-32619686-C-T. GRCh37 (hg19) VCF-style: chr12-32772620-C-T.
Other names: c.1750-12C>T (NM_001384126.1); c.1594-12C>T (NM_001304481.2); c.1060-12C>T (NM_001330374.2, NM_001330373.2, NM_001384130.1); c.1339-12C>T (NM_139241.3, NM_001384127.1, NM_001385118.1 and 1 more transcripts); c.307-12C>T (NM_001304484.2); c.787-12C>T (NM_001370297.1); c.595-12C>T (NM_001304483.2).
Identifiers: ClinVar variation 308297 (VCV000308297.19), dbSNP rs73083501, ClinGen allele CA6506878.